The following is an entry in ClinVar:

ClinVar aggregate classification (germline): Uncertain significance (1 of 4 stars; one submission).

Submission:

GeneDx
Classification: Uncertain significance. Last evaluated: 2025-12-09. Review status: criteria provided, single submitter. Criteria: GeneDx Variant Classification Process June 2021. Collection method: clinical testing. Allele origin: germline.
Comment: Not observed at significant frequency in large population cohorts (gnomAD); In silico analysis supports a deleterious effect on protein structure/function; Has not been previously published as pathogenic or benign to our knowledge

NM_020987.5(ANK3):c.9323_9324delinsCA (p.Glu3108Ala)

Gene: ANK3 (ankyrin 3; minus strand). Cytogenetic location: 10q21.2.
Variant type: Indel.
Coding change: c.9323_9324delinsCA on transcript NM_020987.5 (MANE Select); coding-DNA positions 9323 to 9324, AG replaced by CA.
Protein change: p.Glu3108Ala; replaces glutamic acid 3108 with alanine.
Molecular consequence: missense variant. On other transcripts: intron variant (4).
Genome position (GRCh38, 1-based): chr10:60,071,557-60,071,558, CT replaced by TG on the plus strand (AG replaced by CA on the coding strand, the reverse complement: ANK3 is on the minus strand). VCF-style: chr10-60071557-CT-TG. GRCh37 (hg19) VCF-style: chr10-61831315-CT-TG.
Other names: c.4388-3549_4388-3548delinsCA (NM_001204403.2); c.4409-3549_4409-3548delinsCA (NM_001204404.2); c.4406-3549_4406-3548delinsCA (NM_001320874.2); c.1808-3549_1808-3548delinsCA (NM_001149.4); short protein forms E3108A.
Identifiers: ClinVar variation 4527814 (VCV004527814.2).